The following is an entry in ClinVar:

NM_017635.5(KMT5B):c.668_672del (p.Lys223fs)

Gene: KMT5B (lysine methyltransferase 5B; minus strand). Cytogenetic location: 11q13.2.
Variant type: Deletion.
Coding change: c.668_672del on transcript NM_017635.5 (MANE Select); coding-DNA positions 668 to 672, 5 bases deleted (AAATA; older notation c.668_672delAAATA).
Protein change: p.Lys223fs; shifts the reading frame from lysine 223.
Molecular consequence: frameshift variant. On other transcripts: non-coding transcript variant (2), intron variant (1).
Genome position (GRCh38, 1-based): chr11:68,171,691-68,171,695, TATTT deleted on the plus strand (AAATA on the coding strand, the reverse complement: KMT5B is on the minus strand); deleting any 5 consecutive bases within chr11:68,171,691-68,171,696 gives the same sequence; the c. name uses the placement nearest the transcript's 3' end. VCF-style (leftmost placement, unchanged base first): chr11-68171690-CTATTT-C. GRCh37 (hg19) VCF-style: chr11-67939157-CTATTT-C.
Other names: c.152_156del, p.Lys51fs (NM_001300907.1, NM_001369424.1, NM_001369428.1 and 5 more transcripts); c.599_603del, p.Lys200fs (NM_001300909.2); c.668_672del, p.Lys223fs (NM_001363566.2, NM_001369426.1, NM_001369427.1 and 1 more transcripts); c.455_459del, p.Lys152fs (NM_001369425.1); c.-14-39_-14-35del (NM_001300908.2); short protein forms K152fs, K200fs, K51fs, K223fs.
Identifiers: ClinVar variation 802695 (VCV000802695.2), dbSNP rs1590956245, ClinGen allele CA915948750.

ClinVar aggregate classification (germline): Pathogenic. Review status: criteria provided, multiple submitters, no conflicts (2 of 4 stars). 2 submissions from 2 submitters: Pathogenic (2). Last evaluated 2021-03-13.

Conditions:
Intellectual developmental disorder, autosomal dominant 51. Also called: MENTAL RETARDATION, AUTOSOMAL DOMINANT 51; Intellectual disability, autosomal dominant 51. Identifiers: Orphanet 684226, MedGen C4540474, MONDO:0030917, OMIM 617788.

Submissions (2):

New York Genome Center
Classification: Pathogenic for Intellectual developmental disorder, autosomal dominant 51. Last evaluated: 2021-03-13. Review status: criteria provided, single submitter. Criteria: NYGC Assertion Criteria 2020. Collection method: clinical testing. Allele origin: de novo. Affected: yes. Observed: 1 heterozygote. Study: CSER-NYCKidSeq.
Comment: The de novo c.668_672del, p.Lys223ArgfsTer14 frameshift heterozygous variant identified in KMT5B has not been reported in the literature. This variant is not reported in the gnomAD database, indicating this is a rare allele. It is predicted to cause loss of normal protein function through protein truncation or nonsense-mediated mRNA decay [PMID:18000842]. Based on the available evidence, the de novo c.668_672del, p.Lys223ArgfsTer14 variant in the KMT5B gene is classified as pathogenic.

Mendelics
Classification: Pathogenic for Intellectual developmental disorder, autosomal dominant 51. Last evaluated: 2019-05-28. Review status: criteria provided, single submitter. Criteria: Mendelics Assertion Criteria 2017. Collection method: clinical testing. Allele origin: unknown.